The following is an entry in ClinVar:

ClinVar aggregate classification (germline): Uncertain significance (1 of 4 stars; one submission).

Conditions:
Congenital disorder of glycosylation type 1E (CDG1E). Also called: CONGENITAL DISORDER OF GLYCOSYLATION, TYPE Ie; CDG Ie. Identifiers: Orphanet 79322, MedGen C1837396, MONDO:0012123, OMIM 608799.

Submission:

Labcorp Genetics (formerly Invitae), Labcorp
Classification: Uncertain significance for Congenital disorder of glycosylation type 1E. Last evaluated: 2019-06-19. Review status: criteria provided, single submitter. Criteria: Invitae Variant Classification Sherloc (09022015). Collection method: clinical testing. Allele origin: germline.
Comment: This variant is not present in population databases (ExAC no frequency). In summary, the available evidence is currently insufficient to determine the role of this variant in disease. Therefore, it has been classified as a Variant of Uncertain Significance. Algorithms developed to predict the effect of missense changes on protein structure and function are either unavailable or do not agree on the potential impact of this missense change (SIFT: "Tolerated"; PolyPhen-2: "Possibly Damaging"; Align-GVGD: "Class C0"). This variant has not been reported in the literature in individuals with DPM1-related conditions. This sequence change replaces aspartic acid with alanine at codon 158 of the DPM1 protein (p.Asp158Ala). The aspartic acid residue is highly conserved and there is a moderate physicochemical difference between aspartic acid and alanine.

NM_003859.3(DPM1):c.473A>C (p.Asp158Ala)

Genes: ADNP-AS1 (ADNP antisense RNA 1; plus strand), DPM1 (dolichyl-phosphate mannosyltransferase subunit 1, catalytic; minus strand). Cytogenetic location: 20q13.13.
Variant type: single nucleotide variant.
Coding change: c.473A>C on transcript NM_003859.3 (MANE Select); coding-DNA position 473, A replaced by C.
Protein change: p.Asp158Ala; replaces aspartic acid 158 with alanine.
Molecular consequence: missense variant. On other transcripts: non-coding transcript variant (1).
Genome position (GRCh38, 1-based): chr20:50,942,052, T>G on the plus strand (A>C on the coding strand, the complement: DPM1 is on the minus strand). VCF-style: chr20-50942052-T-G. GRCh37 (hg19) VCF-style: chr20-49558589-T-G.
Other names: c.473A>C, p.Asp158Ala (NM_001317034.1, NM_001317035.1, NM_001317036.1); short protein forms D158A.
Identifiers: ClinVar variation 848513 (VCV000848513.9), dbSNP rs77532041, ClinGen allele CA408989179.